The following is an entry in ClinVar:

NM_012479.4(YWHAG):c.475G>A (p.Glu159Lys)

Gene: YWHAG (tyrosine 3-monooxygenase/tryptophan 5-monooxygenase activation protein gamma; minus strand). Cytogenetic location: 7q11.23.
Variant type: single nucleotide variant.
Coding change: c.475G>A on transcript NM_012479.4 (MANE Select); coding-DNA position 475, G replaced by A.
Protein change: p.Glu159Lys; replaces glutamic acid 159 with lysine.
Molecular consequence: missense variant.
Genome position (GRCh38, 1-based): chr7:76,329,846, C>T on the plus strand (G>A on the coding strand, the complement: YWHAG is on the minus strand). VCF-style: chr7-76329846-C-T. GRCh37 (hg19) VCF-style: chr7-75959163-C-T.
Other names: short protein forms E159K.
Identifiers: ClinVar variation 1464371 (VCV001464371.8), dbSNP rs746119956, ClinGen allele CA4306527.
Genomic context (GRCh38, chr7:76,329,846, plus strand): 5'-AGTTAAGAGCCAGGCCTAATCGGATGGGGTGGGTGGGCTGCATGTGCTCTTTGCTGATCT[C>T]GTGGGCTTCGCTGTAGGCCTTCTCGGAGGACTCCACCACCGTCGCCCTTTTCTCTCCGGT-3'
Protein context (NP_036611.2, residues 149-169): SSEKAYSEAH[Glu159Lys]ISKEHMQPTH

ClinVar aggregate classification (germline): Uncertain significance (1 of 4 stars; one submission).

Allele frequency attached by ClinVar (database versions not stated): gnomAD exomes below 0.00001; ExAC 0.00001; gnomAD 0.00001.
gnomAD v4.1: 4 of 1,613,846 alleles (0.00025%); highest among the groups gnomAD compares: East Asian, 0.0022%; no homozygotes.

Submission:

Labcorp Genetics (formerly Invitae), Labcorp
Classification: Uncertain significance. Last evaluated: 2024-05-15. Review status: criteria provided, single submitter. Criteria: Invitae Variant Classification Sherloc (09022015). Collection method: clinical testing. Allele origin: germline.
Comment: This sequence change replaces glutamic acid, which is acidic and polar, with lysine, which is basic and polar, at codon 159 of the YWHAG protein (p.Glu159Lys). This variant is present in population databases (rs746119956, gnomAD 0.0009%). This missense change has been observed in individual(s) with clinical features of YWHAG-related conditions (Invitae). ClinVar contains an entry for this variant (Variation ID: 1464371). Advanced modeling of protein sequence and biophysical properties (such as structural, functional, and spatial information, amino acid conservation, physicochemical variation, residue mobility, and thermodynamic stability) performed at Invitae indicates that this missense variant is not expected to disrupt YWHAG protein function with a negative predictive value of 80%. In summary, the available evidence is currently insufficient to determine the role of this variant in disease. Therefore, it has been classified as a Variant of Uncertain Significance.